The following is an entry in ClinVar:

ClinVar aggregate classification (germline): Uncertain significance. Review status: criteria provided, multiple submitters, no conflicts (2 of 4 stars). 5 submissions from 5 submitters: Uncertain significance (4). 1 of the submissions does not count toward it. Last evaluated 2025-09-29.

Conditions:
Autosomal recessive limb-girdle muscular dystrophy type 2A (LGMDR1). Also called: Limb-girdle muscular dystrophy, type 2A; Calpainopathy; Muscular dystrophy, limb-girdle, type 2A, Amish; LEYDEN-MOEBIUS MUSCULAR DYSTROPHY; MUSCULAR DYSTROPHY, PELVOFEMORAL. Identifiers: Orphanet 267, MedGen C1869123, MONDO:0009675, OMIM 253600. Disease mechanism: loss of function.
Muscular dystrophy, limb-girdle, autosomal dominant 4. Also called: MUSCULAR DYSTROPHY, LIMB-GIRDLE, TYPE 1I; Calpain-3-related limb-girdle muscular dystrophy D4. Identifiers: Orphanet 565909, MedGen C4748295, MONDO:0029133, OMIM 618129.
Inborn genetic diseases. Identifiers: MedGen C0950123, MeSH D030342.

Allele frequency attached by ClinVar (database versions not stated): ExAC 0.00002; gnomAD exomes 0.00002; gnomAD 0.00005 and 0.00006; TOPMed 0.00008.
gnomAD v4.1: 36 of 1,614,004 alleles (0.0022%); highest among the groups gnomAD compares: Admixed American, 0.023%; no homozygotes.

Submissions (5):

Labcorp Genetics (formerly Invitae), Labcorp
Classification: Uncertain significance for Autosomal recessive limb-girdle muscular dystrophy type 2A. Last evaluated: 2025-09-29. Review status: criteria provided, single submitter. Criteria: Invitae Variant Classification Sherloc (09022015). Collection method: clinical testing. Allele origin: germline.
Comment: This sequence change replaces asparagine, which is neutral and polar, with aspartic acid, which is acidic and polar, at codon 713 of the CAPN3 protein (p.Asn713Asp). This variant is present in population databases (rs748363488, gnomAD 0.02%). This variant has not been reported in the literature in individuals affected with CAPN3-related conditions. ClinVar contains an entry for this variant (Variation ID: 536509). Invitae Evidence Modeling of protein sequence and biophysical properties (such as structural, functional, and spatial information, amino acid conservation, physicochemical variation, residue mobility, and thermodynamic stability) indicates that this missense variant is not expected to disrupt CAPN3 protein function with a negative predictive value of 80%. In summary, the available evidence is currently insufficient to determine the role of this variant in disease. Therefore, it has been classified as a Variant of Uncertain Significance.

Ambry Genetics
Classification: Uncertain significance for Inborn genetic diseases. Last evaluated: 2024-08-04. Review status: criteria provided, single submitter. Criteria: Ambry Variant Classification Scheme 2023. Collection method: clinical testing. Allele origin: germline.

Fulgent Genetics
Classification: Uncertain significance for Autosomal recessive limb-girdle muscular dystrophy type 2A; Muscular dystrophy, limb-girdle, autosomal dominant 4. Last evaluated: 2021-08-18. Review status: criteria provided, single submitter. Criteria: ACMG Guidelines, 2015. Collection method: clinical testing. Allele origin: unknown.

GeneDx
Classification: Uncertain significance. Last evaluated: 2019-10-16. Review status: criteria provided, single submitter. Criteria: GeneDx Variant Classification Process June 2021. Collection method: clinical testing. Allele origin: germline. Affected: yes.
Comment: Not observed at a significant frequency in large population cohorts (Lek et al., 2016); In silico analysis, which includes protein predictors and evolutionary conservation, supports a deleterious effect; Missense variants in nearby residues reported in the Human Gene Mutation Database (Stenson et al., 2014)

Natera, Inc.
Classification: Uncertain significance for Limb-girdle muscular dystrophy type 2A. Last evaluated: 2019-10-28. Review status: no assertion criteria provided. Collection method: clinical testing. Allele origin: germline. Not counted in ClinVar's aggregate classification.

NM_000070.3(CAPN3):c.2137A>G (p.Asn713Asp)

Gene: CAPN3 (calpain 3; plus strand). Cytogenetic location: 15q15.1.
Variant type: single nucleotide variant.
Coding change: c.2137A>G on transcript NM_000070.3 (MANE Select); coding-DNA position 2137, A replaced by G.
Protein change: p.Asn713Asp; replaces asparagine 713 with aspartic acid.
Molecular consequence: missense variant.
Genome position (GRCh38, 1-based): chr15:42,410,449, A>G. VCF-style: chr15-42410449-A-G. GRCh37 (hg19) VCF-style: chr15-42702647-A-G.
Other names: c.2119A>G, p.Asn707Asp (NM_024344.2); c.1861A>G, p.Asn621Asp (NM_173087.2); c.601A>G, p.Asn201Asp (NM_173088.2); c.142A>G, p.Asn48Asp (NM_173089.2, NM_173090.2); short protein forms N713D, N707D, N621D, N201D, N48D.
Identifiers: ClinVar variation 536509 (VCV000536509.12), dbSNP rs748363488, ClinGen allele CA7511748.